The following is an entry in ClinVar:

NM_000222.3(KIT):c.1588G>C (p.Val530Leu)

Gene: KIT (KIT proto-oncogene, receptor tyrosine kinase; plus strand). Cytogenetic location: 4q12.
Variant type: single nucleotide variant.
Coding change: c.1588G>C on transcript NM_000222.3 (MANE Select); coding-DNA position 1588, G replaced by C.
Protein change: p.Val530Leu; replaces valine 530 with leucine.
Molecular consequence: missense variant.
Genome position (GRCh38, 1-based): chr4:54,727,265, G>C. VCF-style: chr4-54727265-G-C. GRCh37 (hg19) VCF-style: chr4-55593431-G-C.
Other names: c.1591G>C, p.Val531Leu (NM_001385284.1, NM_001385290.1); c.1588G>C, p.Val530Leu (NM_001385285.1); c.1576G>C, p.Val526Leu (NM_001385286.1, NM_001093772.2); c.1579G>C, p.Val527Leu (NM_001385288.1, NM_001385292.1); c.1588G>C (NM_000222.2); short protein forms V530L, V526L, V527L, V531L.
Identifiers: ClinVar variation 1461905 (VCV001461905.9), dbSNP rs72550822, ClinGen allele CA356907032.

ClinVar aggregate classification (germline): Uncertain significance. Review status: criteria provided, multiple submitters, no conflicts (2 of 4 stars). 2 submissions from 2 submitters: Uncertain significance (2). Last evaluated 2026-02-25.

Conditions:
Hereditary cancer-predisposing syndrome. Also called: Hereditary neoplastic syndrome; Tumor predisposition; Hereditary Cancer Syndrome; Neoplastic Syndromes, Hereditary. Identifiers: Orphanet 140162, MedGen C0027672, MeSH D009386, MONDO:0015356.
Gastrointestinal stromal tumor. Also called: Gastrointestinal stroma tumor; Gastrointestinal stromal tumor, somatic. Identifiers: Orphanet 44890, MedGen C0238198, MeSH D046152, MONDO:0011719, OMIM 606764, HP:0100723.

Submissions (2):

Ambry Genetics
Classification: Uncertain significance for Hereditary cancer-predisposing syndrome. Last evaluated: 2026-02-25. Review status: criteria provided, single submitter. Criteria: Ambry Variant Classification Scheme 2023. Collection method: clinical testing. Allele origin: germline.
Comment: The p.V530L variant (also known as c.1588G>C), located in coding exon 10 of the KIT gene, results from a G to C substitution at nucleotide position 1588. The valine at codon 530 is replaced by leucine, an amino acid with highly similar properties. This amino acid position is well conserved in available vertebrate species. In addition, this alteration is predicted to be tolerated by in silico analysis. Based on the available evidence, the clinical significance of this variant remains unclear.

Labcorp Genetics (formerly Invitae), Labcorp
Classification: Uncertain significance for Gastrointestinal stromal tumor. Last evaluated: 2022-02-18. Review status: criteria provided, single submitter. Criteria: Invitae Variant Classification Sherloc (09022015). Collection method: clinical testing. Allele origin: germline.
Comment: In summary, the available evidence is currently insufficient to determine the role of this variant in disease. Therefore, it has been classified as a Variant of Uncertain Significance. Algorithms developed to predict the effect of missense changes on protein structure and function (SIFT, PolyPhen-2, Align-GVGD) all suggest that this variant is likely to be tolerated. This variant has not been reported in the literature in individuals affected with KIT-related conditions. This variant is not present in population databases (gnomAD no frequency). This sequence change replaces valine, which is neutral and non-polar, with leucine, which is neutral and non-polar, at codon 530 of the KIT protein (p.Val530Leu).